The following is an entry in ClinVar:

NM_000293.3(PHKB):c.1972-8C>T

Gene: PHKB (phosphorylase kinase regulatory subunit beta; plus strand). Cytogenetic location: 16q12.1.
Variant type: single nucleotide variant.
Coding change: c.1972-8C>T on transcript NM_000293.3 (MANE Select); 8 bases into the intron before coding-DNA position 1972, C replaced by T.
Molecular consequence: intron variant.
Genome position (GRCh38, 1-based): chr16:47,660,498, C>T. VCF-style: chr16-47660498-C-T. GRCh37 (hg19) VCF-style: chr16-47694409-C-T.
Other names: c.1972-8C>T (NM_001363837.1); c.1951-8C>T (NM_001031835.3).
Identifiers: ClinVar variation 507935 (VCV000507935.9), dbSNP rs759445171, ClinGen allele CA8041037.

ClinVar aggregate classification (germline): Likely benign. Review status: criteria provided, multiple submitters, no conflicts (2 of 4 stars). 2 submissions from 2 submitters: Likely benign (2). Last evaluated 2025-02-09.

Conditions:
Glycogen storage disease IXb (GSD9B). Also called: GLYCOGENOSIS OF LIVER AND MUSCLE, AUTOSOMAL RECESSIVE; GSD IXb; PHOSPHORYLASE KINASE DEFICIENCY OF LIVER AND MUSCLE, AUTOSOMAL RECESSIVE. Identifiers: Orphanet 79240, MedGen C0543514, MONDO:0009868, OMIM 261750.

Allele frequency attached by ClinVar (database versions not stated): ExAC 0.00001; gnomAD 0.00001; gnomAD exomes 0.00001 and 0.00002; TOPMed 0.00002.
gnomAD v4.1: 16 of 1,610,562 alleles (0.00099%); highest among the groups gnomAD compares: East Asian, 0.0089%; no homozygotes.

Submissions (2):

Labcorp Genetics (formerly Invitae), Labcorp
Classification: Likely benign for Glycogen storage disease IXb. Last evaluated: 2025-02-09. Review status: criteria provided, single submitter. Criteria: Invitae Variant Classification Sherloc (09022015). Collection method: clinical testing. Allele origin: germline.

GeneDx
Classification: Likely benign. Last evaluated: 2018-03-01. Review status: criteria provided, single submitter. Criteria: GeneDx Variant Classification (06012015). Collection method: clinical testing. Allele origin: germline. Affected: yes.
Comment: This variant is considered likely benign or benign based on one or more of the following criteria: it is a conservative change, it occurs at a poorly conserved position in the protein, it is predicted to be benign by multiple in silico algorithms, and/or has population frequency not consistent with disease.